The following is an entry in ClinVar:

ClinVar aggregate classification (germline): Pathogenic. Review status: reviewed by expert panel (3 of 4 stars). 2 submissions from 2 submitters: Pathogenic (1). 1 of the submissions does not count toward it. Last evaluated 2017-12-15.

Conditions:
Breast-ovarian cancer, familial, susceptibility to, 1 (BROVCA1). Also called: OVARIAN CANCER, SUSCEPTIBILITY TO; BRCA1 Hereditary Breast and Ovarian Cancer. Identifiers: Orphanet 145, MedGen C2676676, MONDO:0011450, OMIM 604370. Disease mechanism: loss of function.
Familial cancer of breast. Also called: Hereditary breast cancer; hereditary breast carcinoma; BREAST CANCER, FAMILIAL. Identifiers: Orphanet 227535, MedGen C0346153, MONDO:0016419, OMIM 114480. Disease mechanism: loss of function.

Submissions (2):

Evidence-based Network for the Interpretation of Germline Mutant Alleles (ENIGMA)
Classification: Pathogenic for Breast-ovarian cancer, familial, susceptibility to, 1. Last evaluated: 2017-12-15. Review status: reviewed by expert panel. Criteria: ENIGMA BRCA1/2 Classification Criteria (2017-06-29). Collection method: curation. Allele origin: germline. Study: ENIGMA.
Comment: Variant allele predicted to encode a truncated non-functional protein.

ClinVar Staff, National Center for Biotechnology Information (NCBI)
No classification provided. Condition: Familial cancer of breast. Review status: no classification provided. Collection method: literature only. Allele origin: germline. Affected: yes. Not counted in ClinVar's aggregate classification.

Literature cited by the submitters: PubMed 22798144 (cited by ClinVar Staff, National Center for Biotechnology Information (NCBI)).

NM_007294.4(BRCA1):c.3183del (p.Ile1061fs)

Gene: BRCA1 (BRCA1 DNA repair associated; minus strand). Cytogenetic location: 17q21.31.
Variant type: Deletion.
Coding change: c.3183del on transcript NM_007294.4 (MANE Select); coding-DNA position 3183, one base deleted (A; older notation c.3183delA).
Protein change: p.Ile1061fs; shifts the reading frame from isoleucine 1061.
Molecular consequence: frameshift variant. On other transcripts: intron variant (137).
Genome position (GRCh38, 1-based): chr17:43,092,348, T deleted on the plus strand (A on the coding strand, the reverse complement: BRCA1 is on the minus strand). VCF-style (leftmost placement, unchanged base first): chr17-43092347-CT-C. GRCh37 (hg19) VCF-style: chr17-41244364-CT-C.
Other names: c.2970del, p.Ile990fs (NM_001407571.1, NM_001407853.1, NM_001407894.1 and 9 more transcripts); c.3183del, p.Ile1061fs (NM_001407581.1, NM_001407582.1, NM_001407583.1 and 30 more transcripts); c.3180del, p.Ile1060fs (NM_001407587.1, NM_001407590.1, NM_001407591.1 and 22 more transcripts); c.3174del, p.Ile1058fs (NM_001407646.1, NM_001407647.1); c.3060del, p.Ile1020fs (NM_001407648.1, NM_001407664.1, NM_001407665.1 and 19 more transcripts); c.3057del, p.Ile1019fs (NM_001407649.1, NM_001407670.1, NM_001407671.1 and 11 more transcripts); c.3105del, p.Ile1035fs (NM_001407653.1, NM_001407654.1, NM_001407655.1 and 4 more transcripts); c.3102del, p.Ile1034fs (NM_001407659.1, NM_001407660.1, NM_001407661.1 and 1 more transcripts); and 41 more; short protein forms I1061fs, I1014fs, I1013fs, I1034fs, I1035fs, I1058fs, I1060fs, I973fs.
Identifiers: ClinVar variation 54793 (VCV000054793.3), dbSNP rs397509046, ClinGen allele CA002074.